The following is an entry in ClinVar:

ClinVar aggregate classification (germline): Uncertain significance (1 of 4 stars; one submission).

Conditions:
Maple syrup urine disease (MSUD). Identifiers: Orphanet 511, MedGen C0024776, MeSH D008375, MONDO:0009563. Disease mechanism: loss of function.

Allele frequency attached by ClinVar (database versions not stated): TOPMed below 0.00001; ExAC 0.00001; gnomAD 0.00001; gnomAD exomes 0.00001; 1000 Genomes Project 0.00020; 1000 Genomes Project 30x 0.00031.
gnomAD v4.1: 14 of 1,596,786 alleles (0.00088%); highest among the groups gnomAD compares: South Asian, 0.0022%; no homozygotes.

Submission:

Labcorp Genetics (formerly Invitae), Labcorp
Classification: Uncertain significance for Maple syrup urine disease. Last evaluated: 2022-10-17. Review status: criteria provided, single submitter. Criteria: Invitae Variant Classification Sherloc (09022015). Collection method: clinical testing. Allele origin: germline.
Comment: This sequence change replaces isoleucine, which is neutral and non-polar, with threonine, which is neutral and polar, at codon 72 of the DBT protein (p.Ile72Thr). This variant is present in population databases (rs565879664, gnomAD 0.007%). This variant has not been reported in the literature in individuals affected with DBT-related conditions. Advanced modeling of protein sequence and biophysical properties (such as structural, functional, and spatial information, amino acid conservation, physicochemical variation, residue mobility, and thermodynamic stability) performed at Invitae indicates that this missense variant is expected to disrupt DBT protein function. In summary, the available evidence is currently insufficient to determine the role of this variant in disease. Therefore, it has been classified as a Variant of Uncertain Significance.

NM_001918.5(DBT):c.215T>C (p.Ile72Thr)

Gene: DBT (dihydrolipoamide branched chain transacylase E2; minus strand). Cytogenetic location: 1p21.2.
Variant type: single nucleotide variant.
Coding change: c.215T>C on transcript NM_001918.5 (MANE Select); coding-DNA position 215, T replaced by C.
Protein change: p.Ile72Thr; replaces isoleucine 72 with threonine.
Molecular consequence: missense variant.
Genome position (GRCh38, 1-based): chr1:100,235,472, A>G on the plus strand (T>C on the coding strand, the complement: DBT is on the minus strand). VCF-style: chr1-100235472-A-G. GRCh37 (hg19) VCF-style: chr1-100701028-A-G.
Other names: short protein forms I72T.
Identifiers: ClinVar variation 2202346 (VCV002202346.1), dbSNP rs565879664, ClinGen allele CA312440.